The following is an entry in ClinVar:

ClinVar aggregate classification (germline): Uncertain significance (1 of 4 stars; one submission).

Allele frequency attached by ClinVar (database versions not stated): gnomAD exomes below 0.00001 and 0.00002; ExAC 0.00003; gnomAD 0.00007 and 0.00008; TOPMed 0.00007; ESP Exome Variant Server 0.00015.
gnomAD v4.1: 16 of 1,613,270 alleles (0.00099%); highest among the groups gnomAD compares: African/African-American, 0.02%; no homozygotes.

Submission:

Labcorp Genetics (formerly Invitae), Labcorp
Classification: Uncertain significance. Last evaluated: 2022-03-22. Review status: criteria provided, single submitter. Criteria: Invitae Variant Classification Sherloc (09022015). Collection method: clinical testing. Allele origin: germline.
Comment: This sequence change replaces methionine, which is neutral and non-polar, with valine, which is neutral and non-polar, at codon 788 of the CNGB3 protein (p.Met788Val). This variant is present in population databases (rs372823505, gnomAD 0.03%). This variant has not been reported in the literature in individuals affected with CNGB3-related conditions. Advanced modeling of protein sequence and biophysical properties (such as structural, functional, and spatial information, amino acid conservation, physicochemical variation, residue mobility, and thermodynamic stability) performed at Invitae indicates that this missense variant is not expected to disrupt CNGB3 protein function. In summary, the available evidence is currently insufficient to determine the role of this variant in disease. Therefore, it has been classified as a Variant of Uncertain Significance.

NM_019098.5(CNGB3):c.2362A>G (p.Met788Val)

Gene: CNGB3 (cyclic nucleotide gated channel subunit beta 3; minus strand). Cytogenetic location: 8q21.3.
Variant type: single nucleotide variant.
Coding change: c.2362A>G on transcript NM_019098.5 (MANE Select); coding-DNA position 2362, A replaced by G.
Protein change: p.Met788Val; replaces methionine 788 with valine.
Molecular consequence: missense variant.
Genome position (GRCh38, 1-based): chr8:86,575,872, T>C on the plus strand (A>G on the coding strand, the complement: CNGB3 is on the minus strand). VCF-style: chr8-86575872-T-C. GRCh37 (hg19) VCF-style: chr8-87588100-T-C.
Other names: short protein forms M788V.
Identifiers: ClinVar variation 1409475 (VCV001409475.3), dbSNP rs372823505, ClinGen allele CA4799741.